The following is an entry in ClinVar:

ClinVar aggregate classification (germline): Uncertain significance (1 of 4 stars; one submission).

Conditions:
Early-infantile DEE. Also called: Early infantile epileptic encephalopathy; Early infantile epileptic encephalopathy with suppression bursts; Ohtahara syndrome. Identifiers: Orphanet 1934, MedGen C0393706, MONDO:0800491.

Allele frequency attached by ClinVar (database versions not stated): TOPMed below 0.00001; gnomAD exomes 0.00001.
gnomAD v4.1: 7 of 1,613,470 alleles (0.00043%); highest among the groups gnomAD compares: East Asian, 0.0022%; no homozygotes.

Submission:

Labcorp Genetics (formerly Invitae), Labcorp
Classification: Uncertain significance for Early-infantile DEE. Last evaluated: 2023-01-28. Review status: criteria provided, single submitter. Criteria: Invitae Variant Classification Sherloc (09022015). Collection method: clinical testing. Allele origin: germline.
Comment: Advanced modeling of protein sequence and biophysical properties (such as structural, functional, and spatial information, amino acid conservation, physicochemical variation, residue mobility, and thermodynamic stability) performed at Invitae indicates that this missense variant is not expected to disrupt SCN8A protein function. In summary, the available evidence is currently insufficient to determine the role of this variant in disease. Therefore, it has been classified as a Variant of Uncertain Significance. This variant has not been reported in the literature in individuals affected with SCN8A-related conditions. This variant is not present in population databases (gnomAD no frequency). This sequence change replaces cysteine, which is neutral and slightly polar, with arginine, which is basic and polar, at codon 1806 of the SCN8A protein (p.Cys1806Arg).

NM_001330260.2(SCN8A):c.5416T>C (p.Cys1806Arg)

Gene: SCN8A (sodium voltage-gated channel alpha subunit 8; plus strand). Cytogenetic location: 12q13.13.
Variant type: single nucleotide variant.
Coding change: c.5416T>C on transcript NM_001330260.2 (MANE Select); coding-DNA position 5416, T replaced by C.
Protein change: p.Cys1806Arg; replaces cysteine 1806 with arginine.
Molecular consequence: missense variant.
Genome position (GRCh38, 1-based): chr12:51,806,902, T>C. VCF-style: chr12-51806902-T-C. GRCh37 (hg19) VCF-style: chr12-52200686-T-C.
Other names: c.5293T>C, p.Cys1765Arg (NM_001177984.3, NM_001369788.1); c.5416T>C, p.Cys1806Arg (NM_014191.4); short protein forms C1765R, C1806R.
Identifiers: ClinVar variation 2728613 (VCV002728613.3), dbSNP rs1207848408, ClinGen allele CA384886002.
Genomic context (GRCh38, chr12:51,806,902, plus strand): 5'-GAGACCTTCTATGAGATCTGGGAGAAGTTCGACCCCGATGCCACCCAGTTCATTGAGTAC[T>C]GTAAGCTGGCAGACTTTGCAGATGCCTTGGAGCATCCTCTCCGAGTGCCCAAGCCCAATA-3'
Protein context (NP_001317189.1, residues 1796-1816): DPDATQFIEY[Cys1806Arg]KLADFADALE